The following is an entry in ClinVar:

NM_015215.4(CAMTA1):c.3005C>T (p.Ala1002Val)

Gene: CAMTA1 (calmodulin binding transcription activator 1; plus strand). Cytogenetic location: 1p36.23.
Variant type: single nucleotide variant.
Coding change: c.3005C>T on transcript NM_015215.4 (MANE Select); coding-DNA position 3005, C replaced by T.
Protein change: p.Ala1002Val; replaces alanine 1002 with valine.
Molecular consequence: missense variant.
Genome position (GRCh38, 1-based): chr1:7,732,538, C>T. VCF-style: chr1-7732538-C-T. GRCh37 (hg19) VCF-style: chr1-7792598-C-T.
Other names: c.2915C>T, p.Ala972Val (NM_001349608.2, NM_001349612.2); c.3005C>T, p.Ala1002Val (NM_001349609.2, NM_001349610.2); c.134C>T, p.Ala45Val (NM_001349613.1); c.77C>T, p.Ala26Val (NM_001349614.1, NM_001349615.2, NM_001349616.2 and 10 more transcripts); short protein forms A1002V, A45V, A972V, A26V.
Identifiers: ClinVar variation 493019 (VCV000493019.50), dbSNP rs367848023, ClinGen allele CA566797.

ClinVar aggregate classification (germline): Conflicting classifications of pathogenicity. Review status: criteria provided, conflicting classifications (1 of 4 stars). 5 submissions from 5 submitters: Uncertain significance (3); Benign (1); Likely benign (1). Last evaluated 2025-10-02.

Allele frequency attached by ClinVar (database versions not stated): TOPMed 0.00006; ESP Exome Variant Server 0.00008; gnomAD 0.00008 and 0.00009.
gnomAD v4.1: 119 of 1,613,328 alleles (0.0074%); highest among the groups gnomAD compares: Middle Eastern, 0.017%; no homozygotes.

Submissions (5):

Labcorp Genetics (formerly Invitae), Labcorp
Classification: Uncertain significance. Last evaluated: 2025-10-02. Review status: criteria provided, single submitter. Criteria: Invitae Variant Classification Sherloc (09022015). Collection method: clinical testing. Allele origin: germline.
Comment: This sequence change replaces alanine, which is neutral and non-polar, with valine, which is neutral and non-polar, at codon 1002 of the CAMTA1 protein (p.Ala1002Val). This variant is present in population databases (rs367848023, gnomAD 0.02%). This variant has not been reported in the literature in individuals affected with CAMTA1-related conditions. ClinVar contains an entry for this variant (Variation ID: 493019). Invitae Evidence Modeling of protein sequence and biophysical properties (such as structural, functional, and spatial information, amino acid conservation, physicochemical variation, residue mobility, and thermodynamic stability) indicates that this missense variant is not expected to disrupt CAMTA1 protein function with a negative predictive value of 80%. Algorithms developed to predict the effect of sequence changes on RNA splicing suggest that this variant may disrupt the consensus splice site. In summary, the available evidence is currently insufficient to determine the role of this variant in disease. Therefore, it has been classified as a Variant of Uncertain Significance.

CeGaT Center for Human Genetics Tuebingen
Classification: Uncertain significance. Last evaluated: 2025-06-01. Review status: criteria provided, single submitter. Criteria: CeGaT Center For Human Genetics Tuebingen Variant Classification Criteria Version 2. Collection method: clinical testing. Allele origin: germline. Affected: yes. Observed: 4 variant alleles.
Comment: CAMTA1: PP3

Laboratory of Genetics, Children's Clinical University Hospital Latvia
Classification: Benign. Last evaluated: 2025-02-16. Review status: criteria provided, single submitter. Criteria: ACMG Guidelines, 2015. Collection method: clinical testing. Allele origin: germline. Affected: yes.

Blueprint Genetics
Classification: Likely benign. Last evaluated: 2024-10-09. Review status: criteria provided, single submitter. Criteria: ACMG Guidelines, 2015. Collection method: clinical testing. Allele origin: germline.

Women's Health and Genetics/Laboratory Corporation of America, LabCorp
Classification: Uncertain significance. Last evaluated: 2024-05-21. Review status: criteria provided, single submitter. Criteria: LabCorp Variant Classification Summary - May 2015. Collection method: clinical testing. Allele origin: germline.
Comment: Variant summary: CAMTA1 c.3005C>T (p.Ala1002Val) results in a non-conservative amino acid change in the encoded protein sequence. Four of five in-silico tools predict a benign effect of the variant on protein function. The variant allele was found at a frequency of 9.6e-05 in 250254 control chromosomes. This frequency is not significantly higher than estimated for a pathogenic variant in CAMTA1 causing Nonprogressive Cerebellar Atxia With Intellectual Disability, allowing no conclusion about variant significance. To our knowledge, no occurrence of c.3005C>T in individuals affected with Nonprogressive Cerebellar Atxia With Intellectual Disability and no experimental evidence demonstrating its impact on protein function have been reported. ClinVar contains an entry for this variant (Variation ID: 493019). Based on the evidence outlined above, the variant was classified as uncertain significance.